The following is an entry in ClinVar:

ClinVar aggregate classification (germline): Likely benign. Review status: criteria provided, multiple submitters, no conflicts (2 of 4 stars). 4 submissions from 4 submitters: Likely benign (4). Last evaluated 2026-02-26.

Conditions:
GNB1-related disorder. Also called: GNB1-related condition.

Allele frequency attached by ClinVar (database versions not stated): ExAC 0.00004; gnomAD exomes 0.00004 and 0.00005; TOPMed 0.00004; gnomAD 0.00005 and 0.00006; ESP Exome Variant Server 0.00008.
gnomAD v4.1: 76 of 1,609,312 alleles (0.0047%); highest among the groups gnomAD compares: Middle Eastern, 0.016%; no homozygotes.

Submissions (4):

PreventionGenetics, part of Exact Sciences
Classification: Likely benign for GNB1-related condition. Last evaluated: 2026-02-26. Review status: criteria provided, single submitter. Criteria: ACMG Guidelines, 2015. Collection method: clinical testing. Allele origin: germline.
Comment: This variant is classified as likely benign based on ACMG/AMP sequence variant interpretation guidelines (Richards et al. 2015 PMID: 25741868, with internal and published modifications).

Labcorp Genetics (formerly Invitae), Labcorp
Classification: Likely benign. Last evaluated: 2026-01-26. Review status: criteria provided, single submitter. Criteria: Invitae Variant Classification Sherloc (09022015). Collection method: clinical testing. Allele origin: germline.

Blueprint Genetics
Classification: Likely benign. Last evaluated: 2024-10-01. Review status: criteria provided, single submitter. Criteria: ACMG Guidelines, 2015. Collection method: clinical testing. Allele origin: germline.

Centre of Medical Genetics, University Hospital Muenster
Classification: Likely benign. Last evaluated: 2022-04-12. Review status: criteria provided, single submitter. Criteria: ACMG Guidelines, 2015. Collection method: clinical testing. Allele origin: unknown. Affected: yes. Observed: 1 variant allele, 1 heterozygote.
Comment: ACMG categories: BP4,BP6,BP7

NM_002074.5(GNB1):c.60C>T (p.Asp20=)

Gene: GNB1 (G protein subunit beta 1; minus strand). Cytogenetic location: 1p36.33.
Variant type: single nucleotide variant.
Coding change: c.60C>T on transcript NM_002074.5 (MANE Select); coding-DNA position 60, C replaced by T.
Protein change: p.Asp20=; no amino-acid change (aspartic acid 20 retained).
Molecular consequence: synonymous variant. On other transcripts: intron variant (1).
Genome position (GRCh38, 1-based): chr1:1,817,873, G>A on the plus strand (C>T on the coding strand, the complement: GNB1 is on the minus strand). VCF-style: chr1-1817873-G-A. GRCh37 (hg19) VCF-style: chr1-1749312-G-A.
Other names: c.60C>T, p.Asp20= (NM_001282539.2); c.-98+7524C>T (NM_001282538.2).
Identifiers: ClinVar variation 763272 (VCV000763272.13), dbSNP rs137888936, ClinGen allele CA532159.